The following is an entry in ClinVar:

NM_001267550.2(TTN):c.27313C>T (p.His9105Tyr)

Gene: TTN (titin; minus strand). Cytogenetic location: 2q31.2.
Variant type: single nucleotide variant.
Coding change: c.27313C>T on transcript NM_001267550.2 (MANE Select); coding-DNA position 27313, C replaced by T.
Protein change: p.His9105Tyr; replaces histidine 9105 with tyrosine.
Molecular consequence: missense variant. On other transcripts: intron variant (3).
Genome position (GRCh38, 1-based): chr2:178,712,712, G>A on the plus strand (C>T on the coding strand, the complement: TTN is on the minus strand). VCF-style: chr2-178712712-G-A. GRCh37 (hg19) VCF-style: chr2-179577439-G-A.
Other names: c.26362C>T, p.His8788Tyr (NM_001256850.1); c.23581C>T, p.His7861Tyr (NM_133378.4); c.13282+25370C>T (NM_003319.4); c.13858+25370C>T (NM_133437.4); c.13657+25370C>T (NM_133432.3); short protein forms H7861Y, H8788Y, H9105Y.
Identifiers: ClinVar variation 3907746 (VCV003907746.1).

ClinVar aggregate classification (germline): Uncertain significance (1 of 4 stars; one submission).

gnomAD v4.1: 7 of 1,613,378 alleles (0.00043%); highest among the groups gnomAD compares: Admixed American, 0.012%; no homozygotes.

Submission:

GeneDx
Classification: Uncertain significance. Last evaluated: 2024-12-31. Review status: criteria provided, single submitter. Criteria: GeneDx Variant Classification Process June 2021. Collection method: clinical testing. Allele origin: germline. Affected: yes.
Comment: Not observed at significant frequency in large population cohorts (gnomAD); Missense variant in a gene in which most reported pathogenic variants are truncating/loss of function; Has not been previously published as pathogenic or benign to our knowledge